The following is an entry in ClinVar:

NM_001145252.3(CFP):c.961T>G (p.Trp321Gly)

Gene: CFP (complement factor properdin; minus strand). Cytogenetic location: Xp11.23.
Variant type: single nucleotide variant.
Coding change: c.961T>G on transcript NM_001145252.3 (MANE Select); coding-DNA position 961, T replaced by G.
Protein change: p.Trp321Gly; replaces tryptophan 321 with glycine.
Molecular consequence: missense variant.
Genome position (GRCh38, 1-based): chrX:47,626,499, A>C on the plus strand (T>G on the coding strand, the complement: CFP is on the minus strand). VCF-style: chrX-47626499-A-C. GRCh37 (hg19) VCF-style: chrX-47485898-A-C.
Other names: c.961T>G, p.Trp321Gly (NM_002621.2); short protein forms W321G.
Identifiers: ClinVar variation 871201 (VCV000871201.42), dbSNP rs1603083173, ClinGen allele CA412835839.

ClinVar aggregate classification (germline): Pathogenic. Review status: criteria provided, multiple submitters, no conflicts (2 of 4 stars). 2 submissions from 2 submitters: Pathogenic (2). Last evaluated 2026-01-29.

Allele frequency attached by ClinVar (database versions not stated): gnomAD exomes 0.00001.

Submissions (2):

GeneDx
Classification: Pathogenic. Last evaluated: 2026-01-29. Review status: criteria provided, single submitter. Criteria: GeneDx Variant Classification Process June 2021. Collection method: clinical testing. Allele origin: germline.
Comment: In silico analysis supports that this missense variant has a deleterious effect on protein structure/function; Not observed at significant frequency in large population cohorts (gnomAD); Also known as c.3832T>G p.(W294G); This variant is associated with the following publications: (PMID: 9476131, 10909851)

CeGaT Center for Human Genetics Tuebingen
Classification: Pathogenic. Last evaluated: 2019-06-01. Review status: criteria provided, single submitter. Criteria: CeGaT Center For Human Genetics Tuebingen Variant Classification Criteria Version 2. Collection method: clinical testing. Allele origin: germline. Affected: yes. Observed: 1 variant allele.